The following is an entry in ClinVar:

ClinVar aggregate classification (germline): Uncertain significance. Review status: criteria provided, multiple submitters, no conflicts (2 of 4 stars). 2 submissions from 2 submitters: Uncertain significance (2). Last evaluated 2023-02-28.

Conditions:
Spondylometaphyseal dysplasia - Sutcliffe type. Also called: Spondylometaphyseal dysplasia, 'corner fracture' type; Spondylometaphyseal Dysplasia, Corner Fracture Type; Sutcliffe type of spondylometaphyseal dysplasia; Sutcliffe SMD. Identifiers: Orphanet 93315, MedGen C0432221, MONDO:0008479, OMIM 184255.
Glomerulopathy with fibronectin deposits 2 (GFND2). Identifiers: Orphanet 84090, MedGen C1866075, MONDO:0011165, OMIM 601894.
Inborn genetic diseases. Identifiers: MedGen C0950123, MeSH D030342.

Allele frequency attached by ClinVar (database versions not stated): gnomAD exomes below 0.00001.
gnomAD v4.1: 2 of 1,613,946 alleles (0.00012%); highest among the groups gnomAD compares: East Asian, 0.0045%; no homozygotes.

Submissions (2):

Ambry Genetics
Classification: Uncertain significance for Inborn genetic diseases. Last evaluated: 2023-02-28. Review status: criteria provided, single submitter. Criteria: Ambry Variant Classification Scheme 2023. Collection method: clinical testing. Allele origin: germline.

Juno Genomics, Hangzhou Juno Genomics, Inc
Classification: Uncertain significance for Spondylometaphyseal dysplasia - Sutcliffe type; Glomerulopathy with fibronectin deposits 2. Review status: criteria provided, single submitter. Criteria: ACMG Guidelines, 2015. Collection method: clinical testing. Allele origin: germline.
Comment: Absent from controls (or at extremely low frequency if recessive) in Genome Aggregation Database.;Missense variant in a gene that has a low rate of benign missense variation.

NM_212482.4(FN1):c.3212G>C (p.Gly1071Ala)

Gene: FN1 (fibronectin 1; minus strand). Cytogenetic location: 2q35.
Variant type: single nucleotide variant.
Coding change: c.3212G>C on transcript NM_212482.4 (MANE Select); coding-DNA position 3212, G replaced by C.
Protein change: p.Gly1071Ala; replaces glycine 1071 with alanine.
Molecular consequence: missense variant.
Genome position (GRCh38, 1-based): chr2:215,404,430, C>G on the plus strand (G>C on the coding strand, the complement: FN1 is on the minus strand). VCF-style: chr2-215404430-C-G. GRCh37 (hg19) VCF-style: chr2-216269153-C-G.
Other names: c.3212G>C, p.Gly1071Ala (NM_001306129.2, NM_001306130.2, NM_001306131.2 and 13 more transcripts); short protein forms G1071A.
Identifiers: ClinVar variation 2491030 (VCV002491030.4), dbSNP rs2470004356, ClinGen allele CA350489096.